The following is an entry in ClinVar:

NM_001429.4(EP300):c.5078T>C (p.Ile1693Thr)

Gene: EP300 (E1A binding protein p300; plus strand). Cytogenetic location: 22q13.2.
Variant type: single nucleotide variant.
Coding change: c.5078T>C on transcript NM_001429.4 (MANE Select); coding-DNA position 5078, T replaced by C.
Protein change: p.Ile1693Thr; replaces isoleucine 1693 with threonine.
Molecular consequence: missense variant.
Genome position (GRCh38, 1-based): chr22:41,176,789, T>C. VCF-style: chr22-41176789-T-C. GRCh37 (hg19) VCF-style: chr22-41572793-T-C.
Other names: c.5000T>C, p.Ile1667Thr (NM_001362843.2); short protein forms I1667T, I1693T.
Identifiers: ClinVar variation 3349870 (VCV003349870.1).
Genomic context (GRCh38, chr22:41,176,789, plus strand): 5'-TTAAATCTTGGAGAGTTTACGTGCACCTCCTGTTTTTTCCCTAGGATTATGACTTGTGTA[T>C]CACCTGCTATAACACTAAAAACCATGACCACAAAATGGAGAAACTAGGCCTTGGCTTAGA-3'
Protein context (NP_001420.2, residues 1683-1703): CTVCEDYDLC[Ile1693Thr]TCYNTKNHDH

ClinVar aggregate classification (germline): Uncertain significance (0 of 4 stars; one submission).

Conditions:
EP300-related disorder. Also called: EP300-related condition; EP300-related disorders.

Submission:

PreventionGenetics, part of Exact Sciences
Classification: Uncertain significance for EP300-related condition. Last evaluated: 2024-06-03. Review status: no assertion criteria provided. Collection method: clinical testing. Allele origin: germline.
Comment: The EP300 c.5078T>C variant is predicted to result in the amino acid substitution p.Ile1693Thr. To our knowledge, this variant has not been reported in the literature or in a large population database, indicating this variant is rare. At this time, the clinical significance of this variant is uncertain due to the absence of conclusive functional and genetic evidence.